The following is an entry in ClinVar:

NM_001360.3(DHCR7):c.418G>A (p.Val140Met)

Gene: DHCR7 (7-dehydrocholesterol reductase; minus strand). Cytogenetic location: 11q13.4.
Variant type: single nucleotide variant.
Coding change: c.418G>A on transcript NM_001360.3 (MANE Select); coding-DNA position 418, G replaced by A.
Protein change: p.Val140Met; replaces valine 140 with methionine.
Molecular consequence: missense variant.
Genome position (GRCh38, 1-based): chr11:71,441,435, C>T on the plus strand (G>A on the coding strand, the complement: DHCR7 is on the minus strand). VCF-style: chr11-71441435-C-T. GRCh37 (hg19) VCF-style: chr11-71152481-C-T.
Other names: c.418G>A, p.Val140Met (NM_001163817.2); short protein forms V140M.
Identifiers: ClinVar variation 852032 (VCV000852032.11), dbSNP rs373908315, ClinGen allele CA6162562.
Genomic context (GRCh38, chr11:71,441,435, plus strand): 5'-CAAACCAGAGCAGGTGCGTGAGGAGCCAGGCTTGCAGGCCATTGATCTGATACTTGTTCA[C>T]AACCCCTGCAGATGAAGGATTCAGAAATGAAGGCGCTTTCCCAACCCGCAGTGAGGAGCT-3'
Protein context (NP_001351.2, residues 130-150): QEGAVTPAGV[Val140Met]NKYQINGLQA

ClinVar aggregate classification (germline): Uncertain significance. Review status: criteria provided, multiple submitters, no conflicts (2 of 4 stars). 3 submissions from 3 submitters: Uncertain significance (2). 1 of the submissions does not count toward it. Last evaluated 2024-06-14.

Conditions:
Smith-Lemli-Opitz syndrome (SLOS). Also called: POLYDACTYLY, SEX REVERSAL, RENAL HYPOPLASIA, AND UNILOBAR LUNG; RSH SYNDROME; RUTLEDGE LETHAL MULTIPLE CONGENITAL ANOMALY SYNDROME; LETHAL ACRODYSGENITAL SYNDROME; 7-Dehydrocholesterol reductase deficiency. Identifiers: Orphanet 818, MedGen C0175694, MONDO:0010035, OMIM 270400.

Allele frequency attached by ClinVar (database versions not stated): gnomAD exomes 0.00001 and 0.00002; ExAC 0.00003; gnomAD 0.00005 and 0.00006; TOPMed 0.00006; ESP Exome Variant Server 0.00008; 1000 Genomes Project 0.00020; 1000 Genomes Project 30x 0.00031.

Submissions (3):

Fulgent Genetics
Classification: Uncertain significance for Smith-Lemli-Opitz syndrome. Last evaluated: 2024-06-14. Review status: criteria provided, single submitter. Criteria: ACMG Guidelines, 2015. Collection method: clinical testing. Allele origin: germline.

Labcorp Genetics (formerly Invitae), Labcorp
Classification: Uncertain significance for Smith-Lemli-Opitz syndrome. Last evaluated: 2022-10-24. Review status: criteria provided, single submitter. Criteria: Invitae Variant Classification Sherloc (09022015). Collection method: clinical testing. Allele origin: germline.
Comment: This sequence change replaces valine, which is neutral and non-polar, with methionine, which is neutral and non-polar, at codon 140 of the DHCR7 protein (p.Val140Met). This variant is present in population databases (rs373908315, gnomAD 0.04%). This variant has not been reported in the literature in individuals affected with DHCR7-related conditions. ClinVar contains an entry for this variant (Variation ID: 852032). Advanced modeling of protein sequence and biophysical properties (such as structural, functional, and spatial information, amino acid conservation, physicochemical variation, residue mobility, and thermodynamic stability) performed at Invitae indicates that this missense variant is expected to disrupt DHCR7 protein function. In summary, the available evidence is currently insufficient to determine the role of this variant in disease. Therefore, it has been classified as a Variant of Uncertain Significance.

Natera, Inc.
Classification: Uncertain significance for Smith-Lemli-Opitz syndrome. Last evaluated: 2017-08-23. Review status: no assertion criteria provided. Collection method: clinical testing. Allele origin: germline. Not counted in ClinVar's aggregate classification.